The following is an entry in ClinVar:

ClinVar aggregate classification (germline): Conflicting classifications of pathogenicity. Review status: criteria provided, conflicting classifications (1 of 4 stars). 2 submissions from 2 submitters: Uncertain significance (1); Likely benign (1). Last evaluated 2025-04-19.

Conditions:
Inborn genetic diseases. Identifiers: MedGen C0950123, MeSH D030342.
Congenital myopathy with internal nuclei and atypical cores. Also called: Myopathy, centronuclear, 4. Identifiers: Orphanet 319160, MedGen C4707232, MONDO:0013890, OMIM 614807.

Allele frequency attached by ClinVar (database versions not stated): ExAC 0.00002; TOPMed 0.00002; gnomAD 0.00003.
gnomAD v4.1: 19 of 1,612,476 alleles (0.0012%); highest among the groups gnomAD compares: Admixed American, 0.0033%; no homozygotes.

Submissions (2):

Labcorp Genetics (formerly Invitae), Labcorp
Classification: Uncertain significance for Congenital myopathy with internal nuclei and atypical cores. Last evaluated: 2025-04-19. Review status: criteria provided, single submitter. Criteria: Invitae Variant Classification Sherloc (09022015). Collection method: clinical testing. Allele origin: germline.
Comment: This sequence change replaces threonine, which is neutral and polar, with arginine, which is basic and polar, at codon 436 of the CCDC78 protein (p.Thr436Arg). This variant is present in population databases (rs775569629, gnomAD 0.003%). This variant has not been reported in the literature in individuals affected with CCDC78-related conditions. ClinVar contains an entry for this variant (Variation ID: 2185072). An algorithm developed to predict the effect of missense changes on protein structure and function outputs the following: PolyPhen-2: "Not Available". The arginine amino acid residue is found in multiple mammalian species, which suggests that this missense change does not adversely affect protein function. In summary, the available evidence is currently insufficient to determine the role of this variant in disease. Therefore, it has been classified as a Variant of Uncertain Significance.

Ambry Genetics
Classification: Likely benign for Inborn genetic diseases. Last evaluated: 2024-03-30. Review status: criteria provided, single submitter. Criteria: Ambry Variant Classification Scheme 2023. Collection method: clinical testing. Allele origin: germline.

NM_001378030.1(CCDC78):c.1311C>G (p.His437Gln)

Gene: CCDC78 (coiled-coil domain containing 78; minus strand). Cytogenetic location: 16p13.3.
Variant type: single nucleotide variant.
Coding change: c.1311C>G on transcript NM_001378030.1 (MANE Select); coding-DNA position 1311, C replaced by G.
Protein change: p.His437Gln; replaces histidine 437 with glutamine.
Molecular consequence: missense variant. On other transcripts: non-coding transcript variant (5).
Genome position (GRCh38, 1-based): chr16:722,780, G>C on the plus strand (C>G on the coding strand, the complement: CCDC78 is on the minus strand). VCF-style: chr16-722780-G-C. GRCh37 (hg19) VCF-style: chr16-772780-G-C.
Other names: c.1307C>G, p.Thr436Arg (NM_001031737.3); c.1131C>G, p.His377Gln (NM_001378031.1); c.744C>G, p.His248Gln (NM_001378033.1); c.1307C>G (NM_001031737.2); short protein forms H437Q, T436R, H248Q, H377Q.
Identifiers: ClinVar variation 2185072 (VCV002185072.5), dbSNP rs775569629, ClinGen allele CA7789056.